The following is an entry in ClinVar:

NM_006929.5(SKIC2):c.2515C>G (p.Leu839Val)

Gene: SKIC2 (SKI2 subunit of superkiller complex; plus strand). Cytogenetic location: 6p21.33.
Variant type: single nucleotide variant.
Coding change: c.2515C>G on transcript NM_006929.5 (MANE Select); coding-DNA position 2515, C replaced by G.
Protein change: p.Leu839Val; replaces leucine 839 with valine.
Molecular consequence: missense variant.
Genome position (GRCh38, 1-based): chr6:31,967,309, C>G. VCF-style: chr6-31967309-C-G. GRCh37 (hg19) VCF-style: chr6-31935086-C-G.
Other names: short protein forms L839V.
Identifiers: ClinVar variation 1405513 (VCV001405513.6), dbSNP rs772244355, ClinGen allele CA3729800.

ClinVar aggregate classification (germline): Uncertain significance (1 of 4 stars; one submission).

Allele frequency attached by ClinVar (database versions not stated): ExAC 0.00001; gnomAD 0.00001; TOPMed 0.00002.
gnomAD v4.1: 57 of 1,612,940 alleles (0.0035%); highest among the groups gnomAD compares: Non-Finnish European, 0.0039%; no homozygotes.

Submission:

Labcorp Genetics (formerly Invitae), Labcorp
Classification: Uncertain significance. Last evaluated: 2022-02-05. Review status: criteria provided, single submitter. Criteria: Invitae Variant Classification Sherloc (09022015). Collection method: clinical testing. Allele origin: germline.
Comment: This sequence change replaces leucine, which is neutral and non-polar, with valine, which is neutral and non-polar, at codon 839 of the SKIV2L protein (p.Leu839Val). This variant is present in population databases (rs772244355, gnomAD 0.0009%). This variant has not been reported in the literature in individuals affected with SKIV2L-related conditions. Algorithms developed to predict the effect of missense changes on protein structure and function are either unavailable or do not agree on the potential impact of this missense change (SIFT: "Deleterious"; PolyPhen-2: "Possibly Damaging"; Align-GVGD: "Class C0"). In summary, the available evidence is currently insufficient to determine the role of this variant in disease. Therefore, it has been classified as a Variant of Uncertain Significance.